The following is an entry in ClinVar:

ClinVar aggregate classification (germline): Likely benign. Review status: criteria provided, multiple submitters, no conflicts (2 of 4 stars). 2 submissions from 2 submitters: Likely benign (2). Last evaluated 2025-12-01.

Allele frequency attached by ClinVar (database versions not stated): ExAC 0.00001; gnomAD 0.00001 and 0.00002; gnomAD exomes 0.00002 and 0.00003; TOPMed 0.00002.
gnomAD v4.1: 30 of 1,614,102 alleles (0.0019%); highest among the groups gnomAD compares: Middle Eastern, 0.049%; no homozygotes.

Submissions (2):

CeGaT Center for Human Genetics Tuebingen
Classification: Likely benign. Last evaluated: 2025-12-01. Review status: criteria provided, single submitter. Criteria: CeGaT Center For Human Genetics Tuebingen Variant Classification Criteria Version 2. Collection method: clinical testing. Allele origin: germline. Affected: yes. Observed: 1 variant allele.
Comment: PPP2R1A: BP4

Labcorp Genetics (formerly Invitae), Labcorp
Classification: Likely benign. Last evaluated: 2025-08-21. Review status: criteria provided, single submitter. Criteria: Invitae Variant Classification Sherloc (09022015). Collection method: clinical testing. Allele origin: germline.

NM_014225.6(PPP2R1A):c.1699C>T (p.Leu567=)

Gene: PPP2R1A (protein phosphatase 2 scaffold subunit Aalpha; plus strand). Cytogenetic location: 19q13.41.
Variant type: single nucleotide variant.
Coding change: c.1699C>T on transcript NM_014225.6 (MANE Select); coding-DNA position 1699, C replaced by T.
Protein change: p.Leu567=; no amino-acid change (leucine 567 retained).
Molecular consequence: synonymous variant. On other transcripts: non-coding transcript variant (1).
Genome position (GRCh38, 1-based): chr19:52,225,754, C>T. VCF-style: chr19-52225754-C-T. GRCh37 (hg19) VCF-style: chr19-52729007-C-T.
Other names: c.1162C>T, p.Leu388= (NM_001363656.2).
Identifiers: ClinVar variation 1562739 (VCV001562739.13), dbSNP rs756971999, ClinGen allele CA9621668.
Genomic context (GRCh38, chr19:52,225,754, plus strand): 5'-CCCTGTCTCCTTTCGCTTTCCAGCACCTTGCAGAGTGAAGTCAAGCCCATCCTAGAGAAG[C>T]TGACCCAGGACCAGGATGTGGACGTCAAATACTTTGCCCAGGAGGCTCTGACTGGTAAGA-3'
Protein context (NP_055040.2, residues 557-577): QSEVKPILEK[Leu567=]TQDQDVDVKY